The following is an entry in ClinVar:

ClinVar aggregate classification (germline): Benign (1 of 4 stars; one submission).

Allele frequency attached by ClinVar (database versions not stated): gnomAD 0.19105 and 0.19324; 1000 Genomes Project 30x 0.13460; 1000 Genomes Project 0.13159; TOPMed 0.17601.

Submission:

GeneDx
Classification: Benign. Last evaluated: 2018-06-14. Review status: criteria provided, single submitter. Criteria: GeneDx Variant Classification (06012015). Collection method: clinical testing. Allele origin: germline. Affected: yes.
Comment: This variant is considered likely benign or benign based on one or more of the following criteria: it is a conservative change, it occurs at a poorly conserved position in the protein, it is predicted to be benign by multiple in silico algorithms, and/or has population frequency not consistent with disease.

NM_001972.2(ELANE):c.-353G>A

Gene: ELANE (elastase, neutrophil expressed; plus strand). Cytogenetic location: 19p13.3.
Variant type: single nucleotide variant.
Coding change: c.-353G>A on transcript NM_001972.2; 353 bases upstream of the start codon, G replaced by A.
Genome position (GRCh38, 1-based): chr19:851,976, G>A. VCF-style: chr19-851976-G-A. GRCh37 (hg19) VCF-style: chr19-851976-G-A.
Identifiers: ClinVar variation 667820 (VCV000667820.3), dbSNP rs2007647, ClinGen allele CA14650611.